The following is an entry in ClinVar:

NM_003334.4(UBA1):c.781G>A (p.Gly261Arg)

Gene: UBA1 (ubiquitin like modifier activating enzyme 1; plus strand). Cytogenetic location: Xp11.3.
Variant type: single nucleotide variant.
Coding change: c.781G>A on transcript NM_003334.4 (MANE Select); coding-DNA position 781, G replaced by A.
Protein change: p.Gly261Arg; replaces glycine 261 with arginine.
Molecular consequence: missense variant.
Genome position (GRCh38, 1-based): chrX:47,201,580, G>A. VCF-style: chrX-47201580-G-A. GRCh37 (hg19) VCF-style: chrX-47060979-G-A.
Other names: c.781G>A, p.Gly261Arg (NM_153280.3); short protein forms G261R.
Identifiers: ClinVar variation 1414862 (VCV001414862.10), dbSNP rs199512751, ClinGen allele CA10395751.

ClinVar aggregate classification (germline): Uncertain significance. Review status: criteria provided, multiple submitters, no conflicts (2 of 4 stars). 2 submissions from 2 submitters: Uncertain significance (2). Last evaluated 2023-02-01.

Conditions:
Inborn genetic diseases. Identifiers: MedGen C0950123, MeSH D030342.
Infantile-onset X-linked spinal muscular atrophy. Also called: SPINAL MUSCULAR ATROPHY, X-LINKED LETHAL INFANTILE; ARTHROGRYPOSIS, X-LINKED, TYPE I; Spinal Muscular Atrophy, X-Linked Infantile; Spinal muscular atrophy, X-linked 2; AMC, DISTAL, X-LINKED. Identifiers: Orphanet 1145, MedGen C1844934, MONDO:0010532, OMIM 301830.

Allele frequency attached by ClinVar (database versions not stated): ExAC 0.00001; gnomAD 0.00001; gnomAD exomes 0.00001 and 0.00002; 1000 Genomes Project 30x 0.00021; 1000 Genomes Project 0.00026.

Submissions (2):

Labcorp Genetics (formerly Invitae), Labcorp
Classification: Uncertain significance for Infantile-onset X-linked spinal muscular atrophy. Last evaluated: 2023-02-01. Review status: criteria provided, single submitter. Criteria: Invitae Variant Classification Sherloc (09022015). Collection method: clinical testing. Allele origin: germline.
Comment: In summary, the available evidence is currently insufficient to determine the role of this variant in disease. Therefore, it has been classified as a Variant of Uncertain Significance. This sequence change replaces glycine, which is neutral and non-polar, with arginine, which is basic and polar, at codon 261 of the UBA1 protein (p.Gly261Arg). This variant is present in population databases (rs199512751, gnomAD 0.008%), including at least one homozygous and/or hemizygous individual. This variant has not been reported in the literature in individuals affected with UBA1-related conditions. ClinVar contains an entry for this variant (Variation ID: 1414862). Algorithms developed to predict the effect of missense changes on protein structure and function are either unavailable or do not agree on the potential impact of this missense change (SIFT: "Deleterious"; PolyPhen-2: "Possibly Damaging"; Align-GVGD: "Class C0").

Ambry Genetics
Classification: Uncertain significance for Inborn genetic diseases. Last evaluated: 2022-05-04. Review status: criteria provided, single submitter. Criteria: Ambry Variant Classification Scheme 2023. Collection method: clinical testing. Allele origin: germline.
Comment: The p.G261R variant (also known as c.781G>A), located in coding exon 7 of the UBA1 gene, results from a G to A substitution at nucleotide position 781. The glycine at codon 261 is replaced by arginine, an amino acid with dissimilar properties. This amino acid position is well conserved in available vertebrate species. In addition, this alteration is predicted to be tolerated by in silico analysis. Since supporting evidence is limited at this time, the clinical significance of this alteration remains unclear.